The following is an entry in ClinVar:

NM_001365999.1(SZT2):c.3561G>T (p.Lys1187Asn)

Gene: SZT2 (SZT2 subunit of KICSTOR complex; plus strand). Cytogenetic location: 1p34.2.
Variant type: single nucleotide variant.
Coding change: c.3561G>T on transcript NM_001365999.1 (MANE Select); coding-DNA position 3561, G replaced by T.
Protein change: p.Lys1187Asn; replaces lysine 1187 with asparagine.
Molecular consequence: missense variant.
Genome position (GRCh38, 1-based): chr1:43,427,408, G>T. VCF-style: chr1-43427408-G-T. GRCh37 (hg19) VCF-style: chr1-43893079-G-T.
Other names: c.3390G>T, p.Lys1130Asn (NM_015284.4); short protein forms K1130N, K1187N.
Identifiers: ClinVar variation 640365 (VCV000640365.8), dbSNP rs916259195, ClinGen allele CA21634501.

ClinVar aggregate classification (germline): Uncertain significance (1 of 4 stars; one submission).

Allele frequency attached by ClinVar (database versions not stated): gnomAD exomes 0.00001 and 0.00002; gnomAD 0.00005; TOPMed 0.00006.

Submission:

Labcorp Genetics (formerly Invitae), Labcorp
Classification: Uncertain significance. Last evaluated: 2022-05-07. Review status: criteria provided, single submitter. Criteria: Invitae Variant Classification Sherloc (09022015). Collection method: clinical testing. Allele origin: germline.
Comment: This sequence change replaces lysine, which is basic and polar, with asparagine, which is neutral and polar, at codon 1130 of the SZT2 protein (p.Lys1130Asn). This variant is present in population databases (no rsID available, gnomAD 0.01%). This variant has not been reported in the literature in individuals affected with SZT2-related conditions. ClinVar contains an entry for this variant (Variation ID: 640365). Algorithms developed to predict the effect of missense changes on protein structure and function (SIFT, PolyPhen-2, Align-GVGD) all suggest that this variant is likely to be tolerated. In summary, the available evidence is currently insufficient to determine the role of this variant in disease. Therefore, it has been classified as a Variant of Uncertain Significance.